The following is an entry in ClinVar:

NM_000553.6(WRN):c.1486_1489del (p.Lys496fs)

Gene: WRN (WRN RecQ like helicase; plus strand). Cytogenetic location: 8p12.
Variant type: Deletion.
Coding change: c.1486_1489del on transcript NM_000553.6 (MANE Select); coding-DNA positions 1486 to 1489, 4 bases deleted (AAAA; older notation c.1486_1489delAAAA).
Protein change: p.Lys496fs; shifts the reading frame from lysine 496.
Molecular consequence: frameshift variant.
Genome position (GRCh38, 1-based): chr8:31,087,830-31,087,833, AAAA deleted; deleting any 4 consecutive bases within chr8:31,087,829-31,087,833 gives the same sequence; the c. name uses the placement nearest the transcript's 3' end. VCF-style (leftmost placement, unchanged base first): chr8-31087828-TAAAA-T. GRCh37 (hg19) VCF-style: chr8-30945344-TAAAA-T.
Other names: short protein forms K496fs.
Identifiers: ClinVar variation 2179202 (VCV002179202.5), dbSNP rs751112452, ClinGen allele CA4704383.

ClinVar aggregate classification (germline): Pathogenic. Review status: criteria provided, multiple submitters, no conflicts (2 of 4 stars). 2 submissions from 2 submitters: Pathogenic (2). Last evaluated 2026-01-16.

Conditions:
Werner syndrome (WRN). Identifiers: Orphanet 902, MedGen C0043119, MONDO:0010196, OMIM 277700.

Submissions (2):

Labcorp Genetics (formerly Invitae), Labcorp
Classification: Pathogenic for Werner syndrome. Last evaluated: 2026-01-16. Review status: criteria provided, single submitter. Criteria: Invitae Variant Classification Sherloc (09022015). Collection method: clinical testing. Allele origin: germline.
Comment: This sequence change creates a premature translational stop signal (p.Lys496Trpfs*60) in the WRN gene. It is expected to result in an absent or disrupted protein product. Loss-of-function variants in WRN are known to be pathogenic (PMID: 16673358). This variant is present in population databases (rs751112452, gnomAD 0.0009%). This premature translational stop signal has been observed in individual(s) with Werner syndrome (PMID: 16673358). ClinVar contains an entry for this variant (Variation ID: 2179202). For these reasons, this variant has been classified as Pathogenic.

Fulgent Genetics
Classification: Pathogenic for Werner syndrome. Last evaluated: 2024-05-31. Review status: criteria provided, single submitter. Criteria: ACMG Guidelines, 2015. Collection method: clinical testing. Allele origin: germline.

Literature cited by the submitters: PubMed 16673358 (cited by Labcorp Genetics (formerly Invitae), Labcorp).